The following is an entry in ClinVar:

NM_001354604.2(MITF):c.355G>T (p.Val119Leu)

Gene: MITF (melanocyte inducing transcription factor; plus strand). Cytogenetic location: 3p13.
Variant type: single nucleotide variant.
Coding change: c.355G>T on transcript NM_001354604.2 (MANE Select); coding-DNA position 355, G replaced by T.
Protein change: p.Val119Leu; replaces valine 119 with leucine.
Molecular consequence: missense variant.
Genome position (GRCh38, 1-based): chr3:69,937,822, G>T. VCF-style: chr3-69937822-G-T. GRCh37 (hg19) VCF-style: chr3-69986973-G-T.
Other names: c.34G>T, p.Val12Leu (NM_000248.4, NM_001184968.2, NM_198158.3 and 1 more transcripts); c.199G>T, p.Val67Leu (NM_001184967.2, NM_001354608.2); c.352G>T, p.Val118Leu (NM_001354605.2, NM_001354606.2, NM_006722.3); c.304G>T, p.Val102Leu (NM_001354607.2); c.355G>T, p.Val119Leu (NM_198159.3); c.307G>T, p.Val103Leu (NM_198177.3); short protein forms V102L, V118L, V119L, V103L, V67L, V12L.
Identifiers: ClinVar variation 4844241 (VCV004844241.1).

ClinVar aggregate classification (germline): Uncertain significance (1 of 4 stars; one submission).

Conditions:
Hereditary cancer-predisposing syndrome. Also called: Neoplastic Syndromes, Hereditary; Tumor predisposition; Hereditary Cancer Syndrome; Hereditary neoplastic syndrome. Identifiers: Orphanet 140162, MedGen C0027672, MeSH D009386, MONDO:0015356.

gnomAD v4.1: 1 of 1,613,806 alleles (0.000062%); highest among the groups gnomAD compares: Non-Finnish European, 0.000085%; no homozygotes.

Submission:

Ambry Genetics
Classification: Uncertain significance for Hereditary cancer-predisposing syndrome. Last evaluated: 2026-01-19. Review status: criteria provided, single submitter. Criteria: Ambry Variant Classification Scheme 2023. Collection method: clinical testing. Allele origin: germline.
Comment: The p.V12L variant (also known as c.34G>T) is located in coding exon 2 of the MITF gene. The valine at codon 12 is replaced by leucine, an amino acid with highly similar properties. This change occurs in the first base pair of coding exon 2. This amino acid position is conserved. In addition, the in silico prediction for this alteration is inconclusive. Based on the available evidence, the clinical significance of this variant remains unclear.